The following is an entry in ClinVar:

NM_000038.6(APC):c.8442G>A (p.Lys2814=)

Gene: APC (APC regulator of Wnt signaling pathway; plus strand). Cytogenetic location: 5q22.2.
Variant type: single nucleotide variant.
Coding change: c.8442G>A on transcript NM_000038.6 (MANE Select); coding-DNA position 8442, G replaced by A.
Protein change: p.Lys2814=; no amino-acid change (lysine 2814 retained).
Molecular consequence: synonymous variant.
Genome position (GRCh38, 1-based): chr5:112,844,036, G>A. VCF-style: chr5-112844036-G-A. GRCh37 (hg19) VCF-style: chr5-112179733-G-A.
Other names: c.8358G>A, p.Lys2786= (NM_001354899.2); c.8319G>A, p.Lys2773= (NM_001354900.2); c.8265G>A, p.Lys2755= (NM_001354901.2); c.8169G>A, p.Lys2723= (NM_001354902.2); c.8139G>A, p.Lys2713= (NM_001354903.2); c.8496G>A, p.Lys2832= (NM_001354896.2); c.8472G>A, p.Lys2824= (NM_001354897.2); c.8367G>A, p.Lys2789= (NM_001354898.2); and 5 more.
Identifiers: ClinVar variation 1146310 (VCV001146310.14), dbSNP rs1267993620, ClinGen allele CA446211391.

ClinVar aggregate classification (germline): Benign/Likely benign. Review status: criteria provided, multiple submitters, no conflicts (2 of 4 stars). 4 submissions from 4 submitters: Benign (1); Likely benign (3). Last evaluated 2025-08-17.

Conditions:
Familial adenomatous polyposis 1 (FAP1). Also called: FAMILIAL ADENOMATOUS POLYPOSIS 1, ATTENUATED; POLYPOSIS, ADENOMATOUS INTESTINAL. Identifiers: MedGen C2713442, MONDO:0021056, OMIM 175100. Disease mechanism: loss of function.
Hereditary cancer-predisposing syndrome. Also called: Hereditary neoplastic syndrome; Neoplastic Syndromes, Hereditary; Tumor predisposition; Hereditary Cancer Syndrome. Identifiers: Orphanet 140162, MedGen C0027672, MeSH D009386, MONDO:0015356.

Allele frequency attached by ClinVar (database versions not stated): gnomAD exomes below 0.00001.
gnomAD v4.1: 1 of 1,602,796 alleles (0.000062%); highest among the groups gnomAD compares: South Asian, 0.0011%; no homozygotes.

Submissions (4):

Labcorp Genetics (formerly Invitae), Labcorp
Classification: Likely benign for Familial adenomatous polyposis 1. Last evaluated: 2025-08-17. Review status: criteria provided, single submitter. Criteria: Invitae Variant Classification Sherloc (09022015). Collection method: clinical testing. Allele origin: germline.

Ambry Genetics
Classification: Likely benign for Hereditary cancer-predisposing syndrome. Last evaluated: 2024-09-15. Review status: criteria provided, single submitter. Criteria: Ambry Variant Classification Scheme 2023. Collection method: clinical testing. Allele origin: germline.

Myriad Genetics, Inc.
Classification: Benign for Familial adenomatous polyposis 1. Last evaluated: 2024-04-15. Review status: criteria provided, single submitter. Criteria: Myriad Autosomal Dominant, Autosomal Recessive and X-Linked Classification Criteria (2023). Collection method: clinical testing. Allele origin: unknown.
Comment: This variant is considered benign. This variant is a silent/synonymous amino acid change and it is not expected to impact splicing.

Color Diagnostics, LLC DBA Color Health
Classification: Likely benign for Hereditary cancer-predisposing syndrome. Last evaluated: 2020-11-09. Review status: criteria provided, single submitter. Criteria: ACMG Guidelines, 2015. Collection method: clinical testing. Allele origin: germline.